The following is an entry in ClinVar:

ClinVar aggregate classification (germline): Uncertain significance. Review status: criteria provided, multiple submitters, no conflicts (2 of 4 stars). 8 submissions from 8 submitters: Uncertain significance (8). Last evaluated 2026-06-02.

Conditions:
SMARCA4-related disorder. Also called: SMARCA4-related condition.
Hereditary cancer-predisposing syndrome. Also called: Tumor predisposition; Hereditary neoplastic syndrome; Neoplastic Syndromes, Hereditary; Hereditary Cancer Syndrome. Identifiers: Orphanet 140162, MedGen C0027672, MeSH D009386, MONDO:0015356.
Intellectual disability, autosomal dominant 16 (CSS4). Also called: COFFIN-SIRIS SYNDROME 4. Identifiers: Orphanet 1465, MedGen C3553249, MONDO:0013821, OMIM 614609.
Rhabdoid tumor predisposition syndrome 2 (RTPS2). Identifiers: Orphanet 231108, Orphanet 69077, MedGen C2750074, MONDO:0013224, OMIM 613325.

Allele frequency attached by ClinVar (database versions not stated): ExAC 0.00001; gnomAD exomes 0.00001 and 0.00002; TOPMed 0.00005; gnomAD 0.00006 and 0.00007.

Submissions (8):

PreventionGenetics, part of Exact Sciences
Classification: Uncertain significance for SMARCA4-related condition. Last evaluated: 2026-06-02. Review status: criteria provided, single submitter. Criteria: ACMG Guidelines, 2015. Collection method: clinical testing. Allele origin: germline.
Comment: The SMARCA4 c.1019C>T variant is predicted to result in the amino acid substitution p.Ala340Val. This variant was observed as variant of uncertain significance in an individual with breast/ovarian caner (Table S3, Faria et al. 2024. PubMed ID: 38874686). This variant is reported in 0.014% of alleles in individuals of African descent in gnomAD. Although we suspect that this variant may be benign, at this time, the clinical significance of this variant is uncertain due to the absence of conclusive functional and genetic evidence.

Ambry Genetics
Classification: Uncertain significance for Hereditary cancer-predisposing syndrome. Last evaluated: 2026-04-07. Review status: criteria provided, single submitter. Criteria: Ambry Variant Classification Scheme 2023. Collection method: clinical testing. Allele origin: germline.
Comment: The p.A340V variant (also known as c.1019C>T), located in coding exon 5 of the SMARCA4 gene, results from a C to T substitution at nucleotide position 1019. The alanine at codon 340 is replaced by valine, an amino acid with similar properties. This amino acid position is not well conserved in available vertebrate species. In addition, this alteration is predicted to be tolerated by in silico analysis. This variant was detected in multiple individuals with no reported features of Coffin-Siris syndrome (Ambry internal data). Based on the supporting evidence, the association of this alteration with rhabdoid tumor predisposition syndrome is unknown; however, the association of this alteration with Coffin-Siris syndrome is unlikely.

Labcorp Genetics (formerly Invitae), Labcorp
Classification: Uncertain significance for Rhabdoid tumor predisposition syndrome 2. Last evaluated: 2026-01-26. Review status: criteria provided, single submitter. Criteria: Invitae Variant Classification Sherloc (09022015). Collection method: clinical testing. Allele origin: germline.
Comment: This sequence change replaces alanine, which is neutral and non-polar, with valine, which is neutral and non-polar, at codon 340 of the SMARCA4 protein (p.Ala340Val). The frequency data for this variant in the population databases is considered unreliable, as metrics indicate poor data quality at this position in the gnomAD database. This variant has not been reported in the literature in individuals affected with SMARCA4-related conditions. ClinVar contains an entry for this variant (Variation ID: 470221). Invitae Evidence Modeling of protein sequence and biophysical properties (such as structural, functional, and spatial information, amino acid conservation, physicochemical variation, residue mobility, and thermodynamic stability) indicates that this missense variant is not expected to disrupt SMARCA4 protein function with a negative predictive value of 95%. In summary, the available evidence is currently insufficient to determine the role of this variant in disease. Therefore, it has been classified as a Variant of Uncertain Significance.

GeneDx
Classification: Uncertain significance. Last evaluated: 2025-11-04. Review status: criteria provided, single submitter. Criteria: GeneDx Variant Classification Process June 2021. Collection method: clinical testing. Allele origin: germline.
Comment: In silico analysis suggests that this missense variant does not alter protein structure/function; Has not been previously published as pathogenic or benign to our knowledge

Quest Diagnostics Nichols Institute San Juan Capistrano
Classification: Uncertain significance. Last evaluated: 2025-03-07. Review status: criteria provided, single submitter. Criteria: Quest Diagnostics criteria. Collection method: clinical testing. Allele origin: unknown.
Comment: The SMARCA4 c.1019C>T (p.Ala340Val) variant has been reported in the published literature in an individual who was high risk for hereditary breast and ovarian cancer (HBOC) syndrome (PMID: 38874686 (2024)). The frequency of this variant in the general population (Genome Aggregation Database) is higher than would generally be expected for pathogenic variants in this gene. Analysis of this variant using bioinformatics tools for the prediction of the effect of amino acid changes on protein structure and function yielded predictions that this variant is benign. Based on the available information, we are unable to determine the clinical significance of this variant.

Baylor Genetics
Classification: Uncertain significance for Rhabdoid tumor predisposition syndrome 2. Last evaluated: 2024-01-21. Review status: criteria provided, single submitter. Criteria: ACMG Guidelines, 2015. Collection method: clinical testing. Allele origin: unknown.

Sema4
Classification: Uncertain significance for Hereditary cancer-predisposing syndrome. Last evaluated: 2022-02-26. Review status: criteria provided, single submitter. Criteria: Sema4 Curation Guidelines. Collection method: curation. Allele origin: germline.
Comment: The SMARCA4 c.1019C>T (p.A340V) variant has not been reported in the literature to our knowledge. This variant was observed in 3/21812 chromosomes in the African/African American subpopulation according to the Genome Aggregation Database (PMID: 32461654). The variant has been reported in ClinVar (Variation ID: 470221). Functional studies have not been performed, and in silico predictions of the variant's effect on protein function are inconclusive. The evidence is insufficient to meet ACMG/AMP criteria for classifying the variant as benign or pathogenic. Thus, the clinical significance of this variant is currently uncertain.

Genome-Nilou Lab
Classification: Uncertain significance for Intellectual disability, autosomal dominant 16. Last evaluated: 2021-07-15. Review status: criteria provided, single submitter. Criteria: ACMG Guidelines, 2015. Collection method: clinical testing. Allele origin: germline. Affected: no.

Literature cited by the submitters: PubMed 38874686 (cited by Quest Diagnostics Nichols Institute San Juan Capistrano).

NM_003072.5(SMARCA4):c.1019C>T (p.Ala340Val)

Gene: SMARCA4 (SWI/SNF related BAF chromatin remodeling complex subunit ATPase 4; plus strand). Cytogenetic location: 19p13.2.
Variant type: single nucleotide variant.
Coding change: c.1019C>T on transcript NM_003072.5 (MANE Select); coding-DNA position 1019, C replaced by T.
Protein change: p.Ala340Val; replaces alanine 340 with valine.
Molecular consequence: missense variant. On other transcripts: non-coding transcript variant (1).
Genome position (GRCh38, 1-based): chr19:10,987,825, C>T. VCF-style: chr19-10987825-C-T. GRCh37 (hg19) VCF-style: chr19-11098501-C-T.
Other names: c.1019C>T, p.Ala340Val (NM_001128844.3, NM_001128845.2, NM_001128846.2 and 5 more transcripts); short protein forms A340V.
Identifiers: ClinVar variation 470221 (VCV000470221.26), dbSNP rs756474511, ClinGen allele CA9203658.